The following is an entry in ClinVar:

ClinVar aggregate classification (germline): Uncertain significance (1 of 4 stars; one submission).

gnomAD v4.1: 6 of 1,601,926 alleles (0.00037%); highest among the groups gnomAD compares: Admixed American, 0.0017%; no homozygotes.

Submission:

GeneDx
Classification: Uncertain significance. Last evaluated: 2025-08-05. Review status: criteria provided, single submitter. Criteria: GeneDx Variant Classification Process June 2021. Collection method: clinical testing. Allele origin: germline. Affected: yes.
Comment: Not observed at significant frequency in large population cohorts (gnomAD); In silico analysis supports that this missense variant has a deleterious effect on protein structure/function; Has not been previously published as pathogenic or benign to our knowledge

NM_001024383.2(NAV3):c.2531G>T (p.Gly844Val)

Gene: NAV3 (neuron navigator 3; plus strand). Cytogenetic location: 12q21.2.
Variant type: single nucleotide variant.
Coding change: c.2531G>T on transcript NM_001024383.2 (MANE Select); coding-DNA position 2531, G replaced by T.
Protein change: p.Gly844Val; replaces glycine 844 with valine.
Molecular consequence: missense variant.
Genome position (GRCh38, 1-based): chr12:78,059,010, G>T. VCF-style: chr12-78059010-G-T. GRCh37 (hg19) VCF-style: chr12-78452790-G-T.
Other names: c.1031G>T, p.Gly344Val (NM_001438019.1); c.2531G>T, p.Gly844Val (NM_014903.6); short protein forms G344V, G844V.
Identifiers: ClinVar variation 4755892 (VCV004755892.1).